The following is an entry in ClinVar:

ClinVar aggregate classification (germline): Uncertain significance (1 of 4 stars; one submission).

Allele frequency attached by ClinVar (database versions not stated): gnomAD exomes below 0.00001.
gnomAD v4.1: 3 of 1,614,150 alleles (0.00019%); highest among the groups gnomAD compares: Non-Finnish European, 0.00025%; no homozygotes.

Submission:

Labcorp Genetics (formerly Invitae), Labcorp
Classification: Uncertain significance. Last evaluated: 2023-05-02. Review status: criteria provided, single submitter. Criteria: Invitae Variant Classification Sherloc (09022015). Collection method: clinical testing. Allele origin: germline.
Comment: In summary, the available evidence is currently insufficient to determine the role of this variant in disease. Therefore, it has been classified as a Variant of Uncertain Significance. Advanced modeling of protein sequence and biophysical properties (such as structural, functional, and spatial information, amino acid conservation, physicochemical variation, residue mobility, and thermodynamic stability) performed at Invitae indicates that this missense variant is not expected to disrupt CLTC protein function. This variant has not been reported in the literature in individuals affected with CLTC-related conditions. This variant is not present in population databases (gnomAD no frequency). This sequence change replaces isoleucine, which is neutral and non-polar, with valine, which is neutral and non-polar, at codon 338 of the CLTC protein (p.Ile338Val).

NM_004859.4(CLTC):c.1000A>G (p.Ile334Val)

Gene: CLTC (clathrin heavy chain; plus strand). Cytogenetic location: 17q23.1.
Variant type: single nucleotide variant.
Coding change: c.1000A>G on transcript NM_004859.4 (MANE Select); coding-DNA position 1000, A replaced by G.
Protein change: p.Ile334Val; replaces isoleucine 334 with valine.
Molecular consequence: missense variant.
Genome position (GRCh38, 1-based): chr17:59,660,421, A>G. VCF-style: chr17-59660421-A-G. GRCh37 (hg19) VCF-style: chr17-57737782-A-G.
Other names: c.1012A>G, p.Ile338Val (NM_001288653.2); short protein forms I334V, I338V.
Identifiers: ClinVar variation 2797697 (VCV002797697.3), dbSNP rs2032582102, ClinGen allele CA400423462.